The following is an entry in ClinVar:

NM_144997.7(FLCN):c.687C>T (p.Phe229=)

Gene: FLCN (folliculin; minus strand). Cytogenetic location: 17p11.2.
Variant type: single nucleotide variant.
Coding change: c.687C>T on transcript NM_144997.7 (MANE Select); coding-DNA position 687, C replaced by T.
Protein change: p.Phe229=; no amino-acid change (phenylalanine 229 retained).
Molecular consequence: synonymous variant.
Genome position (GRCh38, 1-based): chr17:17,222,593, G>A on the plus strand (C>T on the coding strand, the complement: FLCN is on the minus strand). VCF-style: chr17-17222593-G-A. GRCh37 (hg19) VCF-style: chr17-17125907-G-A.
Other names: c.687C>T (LRG_325t1); c.741C>T, p.Phe247= (NM_001353229.2); c.687C>T, p.Phe229= (NM_001353230.2, NM_001353231.2, NM_144606.7).
Identifiers: ClinVar variation 415627 (VCV000415627.56), dbSNP rs754710935, ClinGen allele CA8416338.
Genomic context (GRCh38, chr17:17,222,593, plus strand): 5'-GTTGTCATCACTTGTCAGCGATGTCAGCGAGCGGGCGGCGTTGCCGTTCCTCTGGTGTAG[G>A]AATGGCGTGAAGGCTGTGTTCATCCTCTGAGCACGCTGTGGGCATCCAAACTGCTCTGCC-3'
Protein context (NP_659434.2, residues 219-239): AQRMNTAFTP[Phe229=]LHQRNGNAAR

ClinVar aggregate classification (germline): Benign/Likely benign. Review status: criteria provided, multiple submitters, no conflicts (2 of 4 stars). 11 submissions from 11 submitters: Benign (2); Likely benign (9). Last evaluated 2026-02-02.

Conditions:
Familial spontaneous pneumothorax (PSP). Identifiers: Orphanet 2903, MedGen C1868193, MONDO:0008259, OMIM 173600.
17p11.2 microduplication syndrome (PTLS). Also called: CHROMOSOME 17p11.2 DUPLICATION SYNDROME; Potocki-Lupski syndrome; Duplication 17p11.2 syndrome; Potocki-Lupski syndrome (dup(17)(p11.2p11.2)). Identifiers: Orphanet 1713, MedGen C2931246, MONDO:0012574, OMIM 610883.
Nonpapillary renal cell carcinoma. Identifiers: Orphanet 422526, MedGen CN074294, MONDO:0007763, OMIM 144700.
Colorectal cancer. Also called: Malignant Colorectal Neoplasm; Colorectal cancer, somatic. Identifiers: MedGen C0346629, MONDO:0005575, OMIM 114500.
Birt-Hogg-Dube syndrome 1 (BHD1). Also called: FIBROFOLLICULOMAS WITH TRICHODISCOMAS AND ACROCHORDONS. Identifiers: Orphanet 122, MedGen CN375946, MONDO:0800445, OMIM 135150.
FLCN-related disorder. Also called: FLCN-related condition.
Hereditary cancer-predisposing syndrome. Also called: Tumor predisposition; Hereditary neoplastic syndrome; Hereditary Cancer Syndrome; Neoplastic Syndromes, Hereditary. Identifiers: Orphanet 140162, MedGen C0027672, MeSH D009386, MONDO:0015356.
Birt-Hogg-Dube syndrome. Also called: Birt Hogg Dubé syndrome. Identifiers: Orphanet 122, MedGen C0346010, MONDO:0800444.

Allele frequency attached by ClinVar (database versions not stated): ExAC 0.00007; gnomAD 0.00007 and 0.00008; gnomAD exomes 0.00008 and 0.00010; TOPMed 0.00010.
gnomAD v4.1: 162 of 1,614,238 alleles (0.01%); highest among the groups gnomAD compares: Non-Finnish European, 0.011%; no homozygotes.

Submissions (11):

Labcorp Genetics (formerly Invitae), Labcorp
Classification: Likely benign for Birt-Hogg-Dube syndrome. Last evaluated: 2026-02-02. Review status: criteria provided, single submitter. Criteria: Invitae Variant Classification Sherloc (09022015). Collection method: clinical testing. Allele origin: germline.

PreventionGenetics, part of Exact Sciences
Classification: Likely benign for FLCN-related condition. Last evaluated: 2025-07-14. Review status: criteria provided, single submitter. Criteria: ACMG Guidelines, 2015. Collection method: clinical testing. Allele origin: germline.
Comment: This variant is classified as likely benign based on ACMG/AMP sequence variant interpretation guidelines (Richards et al. 2015 PMID: 25741868, with internal and published modifications).

Center for Genomic Medicine, Rigshospitalet, Copenhagen University Hospital
Classification: Likely benign. Last evaluated: 2025-03-04. Review status: criteria provided, single submitter. Criteria: ACMG Guidelines, 2015. Collection method: clinical testing. Allele origin: germline.

Department of Pathology and Laboratory Medicine, Sinai Health System
Classification: Likely benign for Colorectal cancer; Birt-Hogg-Dube syndrome 1; Nonpapillary renal cell carcinoma; Familial spontaneous pneumothorax; 17p11.2 microduplication syndrome. Last evaluated: 2024-11-29. Review status: criteria provided, single submitter. Criteria: ACMG Guidelines, 2015. Collection method: clinical testing. Allele origin: germline.

Blueprint Genetics
Classification: Likely benign. Last evaluated: 2024-11-07. Review status: criteria provided, single submitter. Criteria: ACMG Guidelines, 2015. Collection method: clinical testing. Allele origin: germline.

Myriad Genetics, Inc.
Classification: Benign for Birt-Hogg-Dube syndrome 1. Last evaluated: 2024-10-23. Review status: criteria provided, single submitter. Criteria: Myriad Autosomal Dominant, Autosomal Recessive and X-Linked Classification Criteria (2023). Collection method: clinical testing. Allele origin: unknown.
Comment: This variant is considered benign. This variant is a silent/synonymous amino acid change and it is not expected to impact splicing.

CeGaT Center for Human Genetics Tuebingen
Classification: Likely benign. Last evaluated: 2021-12-01. Review status: criteria provided, single submitter. Criteria: CeGaT Center For Human Genetics Tuebingen Variant Classification Criteria Version 2. Collection method: clinical testing. Allele origin: germline. Affected: yes. Observed: 1 variant allele.

Quest Diagnostics Nichols Institute San Juan Capistrano
Classification: Benign. Last evaluated: 2021-08-03. Review status: criteria provided, single submitter. Criteria: Quest Diagnostics criteria. Collection method: clinical testing. Allele origin: unknown.

Sema4
Classification: Likely benign for Hereditary cancer-predisposing syndrome. Last evaluated: 2021-05-12. Review status: criteria provided, single submitter. Criteria: Sema4 Curation Guidelines. Collection method: curation. Allele origin: germline.

GeneDx
Classification: Likely benign. Last evaluated: 2020-09-22. Review status: criteria provided, single submitter. Criteria: GeneDx Variant Classification Process June 2021. Collection method: clinical testing. Allele origin: germline. Affected: yes.

Ambry Genetics
Classification: Likely benign for Hereditary cancer-predisposing syndrome. Last evaluated: 2015-08-20. Review status: criteria provided, single submitter. Criteria: Ambry Variant Classification Scheme 2023. Collection method: clinical testing. Allele origin: germline.